The following is an entry in ClinVar:

ClinVar aggregate classification (germline): Uncertain significance (1 of 4 stars; one submission).

gnomAD v4.1: 1 of 1,613,520 alleles (0.000062%); highest among the groups gnomAD compares: Non-Finnish European, 0.000085%; no homozygotes.

Submission:

GeneDx
Classification: Uncertain significance. Last evaluated: 2023-05-25. Review status: criteria provided, single submitter. Criteria: GeneDx Variant Classification Process June 2021. Collection method: clinical testing. Allele origin: germline. Affected: yes.
Comment: Not observed at significant frequency in large population cohorts (gnomAD); In silico analysis supports that this missense variant has a deleterious effect on protein structure/function; Has not been previously published as pathogenic or benign to our knowledge

NM_003070.5(SMARCA2):c.4426C>G (p.His1476Asp)

Gene: SMARCA2 (SWI/SNF related BAF chromatin remodeling complex subunit ATPase 2; plus strand). Cytogenetic location: 9p24.3.
Variant type: single nucleotide variant.
Coding change: c.4426C>G on transcript NM_003070.5 (MANE Select); coding-DNA position 4426, C replaced by G.
Protein change: p.His1476Asp; replaces histidine 1476 with aspartic acid.
Molecular consequence: missense variant.
Genome position (GRCh38, 1-based): chr9:2,182,207, C>G. VCF-style: chr9-2182207-C-G. GRCh37 (hg19) VCF-style: chr9-2182207-C-G.
Other names: c.4426C>G, p.His1476Asp (NM_001289396.2); c.4198C>G, p.His1400Asp (NM_001289397.2); c.400C>G, p.His134Asp (NM_001289398.2); c.484C>G, p.His162Asp (NM_001289399.2); c.490C>G, p.His164Asp (NM_001289400.2); c.4372C>G, p.His1458Asp (NM_139045.4); short protein forms H134D, H1400D, H1458D, H1476D, H162D, H164D.
Identifiers: ClinVar variation 3343725 (VCV003343725.1).
Genomic context (GRCh38, chr9:2,182,207, plus strand): 5'-ATTCGTAATCATAAGTACCGGAGCCTAGGCGACCTGGAGAAGGATGTCATGCTTCTCTGT[C>G]ACAACGCTCAGACGTTCAACCTGGAGGGATCCCAGGTCTGTCTTGTTAAGTTGTCTAAAA-3'
Protein context (NP_003061.3, residues 1466-1486): DLEKDVMLLC[His1476Asp]NAQTFNLEGS